The following is an entry in ClinVar:

ClinVar aggregate classification (germline): Uncertain significance. Review status: criteria provided, multiple submitters, no conflicts (2 of 4 stars). 2 submissions from 2 submitters: Uncertain significance (2). Last evaluated 2024-05-02.

Conditions:
Tuberous sclerosis 2 (TSC2). Identifiers: Orphanet 805, MedGen C1860707, MONDO:0013199, OMIM 613254.
Hereditary cancer-predisposing syndrome. Also called: Hereditary neoplastic syndrome; Neoplastic Syndromes, Hereditary; Hereditary Cancer Syndrome; Tumor predisposition. Identifiers: Orphanet 140162, MedGen C0027672, MeSH D009386, MONDO:0015356.

gnomAD v4.1: 2 of 1,612,706 alleles (0.00012%); highest among the groups gnomAD compares: South Asian, 0.0022%; no homozygotes.

Submissions (2):

Labcorp Genetics (formerly Invitae), Labcorp
Classification: Uncertain significance for Tuberous sclerosis 2. Last evaluated: 2024-05-02. Review status: criteria provided, single submitter. Criteria: Invitae Variant Classification Sherloc (09022015). Collection method: clinical testing. Allele origin: germline.
Comment: This sequence change replaces leucine, which is neutral and non-polar, with arginine, which is basic and polar, at codon 1374 of the TSC2 protein (p.Leu1374Arg). This variant is not present in population databases (gnomAD no frequency). This variant has not been reported in the literature in individuals affected with TSC2-related conditions. ClinVar contains an entry for this variant (Variation ID: 1419494). Advanced modeling of protein sequence and biophysical properties (such as structural, functional, and spatial information, amino acid conservation, physicochemical variation, residue mobility, and thermodynamic stability) performed at Invitae indicates that this missense variant is not expected to disrupt TSC2 protein function with a negative predictive value of 95%. In summary, the available evidence is currently insufficient to determine the role of this variant in disease. Therefore, it has been classified as a Variant of Uncertain Significance.

Ambry Genetics
Classification: Uncertain significance for Hereditary cancer-predisposing syndrome. Last evaluated: 2015-12-16. Review status: criteria provided, single submitter. Criteria: Ambry Variant Classification Scheme 2023. Collection method: clinical testing. Allele origin: germline.
Comment: The p.L1374R variant (also known as c.4121T>G), located in coding exon 33 of the TSC2 gene, results from a T to G substitution at nucleotide position 4121. The leucine at codon 1374 is replaced by arginine, an amino acid with dissimilar properties. This variant was not reported in population based cohorts in the following databases: Database of Single Nucleotide Polymorphisms (dbSNP), NHLBI Exome Sequencing Project (ESP), and 1000 Genomes Project. In the ESP, this variant was not observed in 6491 samples (12982 alleles) with coverage at this position. To date, this alteration has been detected with an allele frequency of approximately 0.01% (greater than 10000 alleles tested) in our clinical cohort. This amino acid position is well conserved in available vertebrate species. In addition, this alteration is predicted to be deleterious by in silico analysis. Since supporting evidence is limited at this time, the clinical significance of p.L1374R remains unclear.

NM_000548.5(TSC2):c.4121T>G (p.Leu1374Arg)

Gene: TSC2 (TSC complex subunit 2; plus strand). Cytogenetic location: 16p13.3.
Variant type: single nucleotide variant.
Coding change: c.4121T>G on transcript NM_000548.5 (MANE Select); coding-DNA position 4121, T replaced by G.
Protein change: p.Leu1374Arg; replaces leucine 1374 with arginine.
Molecular consequence: missense variant.
Genome position (GRCh38, 1-based): chr16:2,084,343, T>G. VCF-style: chr16-2084343-T-G. GRCh37 (hg19) VCF-style: chr16-2134344-T-G.
Other names: c.3920T>G, p.Leu1307Arg (NM_001077183.3); c.4052T>G, p.Leu1351Arg (NM_001114382.3); c.3812T>G, p.Leu1271Arg (NM_001318827.2); c.3776T>G, p.Leu1259Arg (NM_001318829.2); c.3389T>G, p.Leu1130Arg (NM_001318831.2); c.3953T>G, p.Leu1318Arg (NM_001318832.2); c.3923T>G, p.Leu1308Arg (NM_001363528.2); c.3989T>G, p.Leu1330Arg (NM_001370404.1); and 1 more; short protein forms L1271R, L1330R, L1130R, L1308R, L1331R, L1259R, L1351R, L1374R.
Identifiers: ClinVar variation 1419494 (VCV001419494.10), dbSNP rs2151523920, ClinGen allele CA394299558.